The following is an entry in ClinVar:

ClinVar aggregate classification (germline): Likely benign (0 of 4 stars; one submission).

Conditions:
CEP41-related disorder. Also called: CEP41-related condition.

Submission:

PreventionGenetics, part of Exact Sciences
Classification: Likely benign for CEP41-related condition. Last evaluated: 2022-03-10. Review status: no assertion criteria provided. Collection method: clinical testing. Allele origin: germline.
Comment: This variant is classified as likely benign based on ACMG/AMP sequence variant interpretation guidelines (Richards et al. 2015 PMID: 25741868, with internal and published modifications).

NM_018718.3(CEP41):c.574+5GA[3]

Gene: CEP41 (centrosomal protein 41; minus strand). Cytogenetic location: 7q32.2.
Variant type: Microsatellite.
Coding change: c.574+5GA[3] on transcript NM_018718.3 (MANE Select); three copies in a row of the 2-base unit GA starting at c.574+5; the reference has four copies in a row; one copy, 2 bases deleted.
Molecular consequence: intron variant.
Genome position (GRCh38, 1-based): chr7:130,402,636-130,402,637, TC deleted on the plus strand (GA on the coding strand, the reverse complement: CEP41 is on the minus strand); deleting any 2 consecutive bases within chr7:130,402,636-130,402,644 gives the same sequence; the position shown is the placement nearest the transcript's 3' end. VCF-style (leftmost placement, unchanged base first): chr7-130402635-TTC-T. GRCh37 (hg19) VCF-style: chr7-130042476-TTC-T.
Other names: c.526+5GA[3] (NM_001257159.2); c.574+5GA[3] (NM_001257158.2).
Identifiers: ClinVar variation 3029164 (VCV003029164.2), dbSNP rs1584870754, ClinGen allele CA1743250444.